The following is an entry in ClinVar:

ClinVar aggregate classification (germline): Conflicting classifications of pathogenicity. Review status: criteria provided, conflicting classifications (1 of 4 stars). 4 submissions from 4 submitters: Uncertain significance (3); Benign (1). Last evaluated 2025-12-08.

Conditions:
Ehlers-Danlos syndrome, classic type, 1 (EDSCL1). Also called: Ehlers-Danlos Syndrome, Classic Type, COL5A1-Related; EHLERS-DANLOS SYNDROME, GRAVIS TYPE; EHLERS-DANLOS SYNDROME, SEVERE CLASSIC TYPE; Ehlers-Danlos syndrome, type 1; EDS I. Identifiers: MedGen C0268335, MONDO:0019567, OMIM 130000.
Familial thoracic aortic aneurysm and aortic dissection (TAAD). Also called: Thoracic aortic aneurysms and dissections. Identifiers: Orphanet 91387, MedGen C4707243, MONDO:0019625.

Allele frequency attached by ClinVar (database versions not stated): ESP Exome Variant Server 0.00008; TOPMed 0.00002; 1000 Genomes Project 0.00020; 1000 Genomes Project 30x 0.00016.
gnomAD v4.1: 24 of 1,613,784 alleles (0.0015%); highest among the groups gnomAD compares: East Asian, 0.0022%; no homozygotes.

Submissions (4):

Labcorp Genetics (formerly Invitae), Labcorp
Classification: Benign for Ehlers-Danlos syndrome, classic type, 1. Last evaluated: 2025-12-08. Review status: criteria provided, single submitter. Criteria: Invitae Variant Classification Sherloc (09022015). Collection method: clinical testing. Allele origin: germline.

Mayo Clinic Laboratories, Mayo Clinic
Classification: Uncertain significance. Last evaluated: 2025-08-07. Review status: criteria provided, single submitter. Criteria: ACMG Guidelines, 2015. Collection method: clinical testing. Allele origin: germline. Observed: 2 variant alleles.
Comment: BP4_moderate

GeneDx
Classification: Uncertain significance. Last evaluated: 2022-05-10. Review status: criteria provided, single submitter. Criteria: GeneDx Variant Classification Process June 2021. Collection method: clinical testing. Allele origin: germline. Affected: yes.
Comment: Has not been previously published as pathogenic or benign to our knowledge; In silico analysis supports that this missense variant does not alter protein structure/function; Not located in the triple helical region, where the majority of pathogenic missense variants occur (Symoens et al., 2012; HGMD)

Ambry Genetics
Classification: Uncertain significance for Familial thoracic aortic aneurysm and aortic dissection. Last evaluated: 2020-10-13. Review status: criteria provided, single submitter. Criteria: Ambry Variant Classification Scheme 2023. Collection method: clinical testing. Allele origin: germline.
Comment: The p.N50S variant (also known as c.149A>G), located in coding exon 2 of the COL5A1 gene, results from an A to G substitution at nucleotide position 149. The asparagine at codon 50 is replaced by serine, an amino acid with highly similar properties. This amino acid position is not well conserved in available vertebrate species, and serine is the reference amino acid in other vertebrate species. In addition, this alteration is predicted to be tolerated by in silico analysis. Since supporting evidence is limited at this time, the clinical significance of this alteration remains unclear.

NM_000093.5(COL5A1):c.149A>G (p.Asn50Ser)

Gene: COL5A1 (collagen type V alpha 1 chain; plus strand). Cytogenetic location: 9q34.3.
Variant type: single nucleotide variant.
Coding change: c.149A>G on transcript NM_000093.5 (MANE Select); coding-DNA position 149, A replaced by G.
Protein change: p.Asn50Ser; replaces asparagine 50 with serine.
Molecular consequence: missense variant.
Genome position (GRCh38, 1-based): chr9:134,690,951, A>G. VCF-style: chr9-134690951-A-G. GRCh37 (hg19) VCF-style: chr9-137582797-A-G.
Other names: p.N50S:AAC>AGC; p.Asn50Ser; c.149A>G, p.Asn50Ser (NM_001278074.1); short protein forms N50S.
Identifiers: ClinVar variation 213004 (VCV000213004.18), dbSNP rs79138021, ClinGen allele CA325031.